The following is an entry in ClinVar:

ClinVar aggregate classification (germline): Uncertain significance (1 of 4 stars; one submission).

Conditions:
Idiopathic generalized epilepsy. Also called: Generalised epilepsy; EIG. Identifiers: MedGen C0270850, MONDO:0005579, OMIM 600669.

gnomAD v4.1: 3 of 1,462,822 alleles (0.00021%); highest among the groups gnomAD compares: Non-Finnish European, 0.00027%; no homozygotes.

Submission:

Labcorp Genetics (formerly Invitae), Labcorp
Classification: Uncertain significance for Idiopathic generalized epilepsy. Last evaluated: 2022-11-22. Review status: criteria provided, single submitter. Criteria: Invitae Variant Classification Sherloc (09022015). Collection method: clinical testing. Allele origin: germline.
Comment: In summary, the available evidence is currently insufficient to determine the role of this variant in disease. Therefore, it has been classified as a Variant of Uncertain Significance. Advanced modeling of protein sequence and biophysical properties (such as structural, functional, and spatial information, amino acid conservation, physicochemical variation, residue mobility, and thermodynamic stability) performed at Invitae indicates that this missense variant is expected to disrupt RBFOX3 protein function. ClinVar contains an entry for this variant (Variation ID: 1380691). This variant has not been reported in the literature in individuals affected with RBFOX3-related conditions. This variant is not present in population databases (gnomAD no frequency). This sequence change replaces proline, which is neutral and non-polar, with arginine, which is basic and polar, at codon 296 of the RBFOX3 protein (p.Pro296Arg).

NM_001350451.2(RBFOX3):c.1028C>G (p.Pro343Arg)

Gene: RBFOX3 (RNA binding fox-1 homolog 3; minus strand). Cytogenetic location: 17q25.3.
Variant type: single nucleotide variant.
Coding change: c.1028C>G on transcript NM_001350451.2 (MANE Select); coding-DNA position 1028, C replaced by G.
Protein change: p.Pro343Arg; replaces proline 343 with arginine.
Molecular consequence: missense variant.
Genome position (GRCh38, 1-based): chr17:79,094,500, G>C on the plus strand (C>G on the coding strand, the complement: RBFOX3 is on the minus strand). VCF-style: chr17-79094500-G-C. GRCh37 (hg19) VCF-style: chr17-77090582-G-C.
Other names: c.887C>G, p.Pro296Arg (NM_001082575.3, NM_001350453.2, NM_001385825.1 and 16 more transcripts); c.1028C>G, p.Pro343Arg (NM_001385804.1, NM_001385805.1, NM_001385807.1 and 14 more transcripts); c.1025C>G, p.Pro342Arg (NM_001385806.1, NM_001385822.1, NM_001385823.1); c.935C>G, p.Pro312Arg (NM_001385824.1); c.908C>G, p.Pro303Arg (NM_001385827.1); c.884C>G, p.Pro295Arg (NM_001385843.1, NM_001385844.1, NM_001385845.1 and 1 more transcripts); c.740C>G, p.Pro247Arg (NM_001385847.1); short protein forms P296R, P343R, P295R, P303R, P312R, P342R, P247R.
Identifiers: ClinVar variation 1380691 (VCV001380691.6), dbSNP rs1208480613, ClinGen allele CA401315718.
Genomic context (GRCh38, chr17:79,094,500, plus strand): 5'-GGGCTCCTTACCATGGTTCCAATGCTGTAGGTCGCCGCGGGCCCGATGGTGTGATGGTAC[G>C]GGTCGGCAGCTGCGTAGACTCTGCCGTAACTAGGGAAGAGCGTGGGAGGGGGAGTGGGAG-3'
Protein context (NP_001337380.1, residues 333-353): SYGRVYAAAD[Pro343Arg]YHHTIGPAAT